The following is an entry in ClinVar:

ClinVar aggregate classification (germline): Uncertain significance (1 of 4 stars; one submission).

gnomAD v4.1: 1 of 1,589,734 alleles (0.000063%); highest among the groups gnomAD compares: Non-Finnish European, 0.000086%; no homozygotes.

Submission:

GeneDx
Classification: Uncertain significance. Last evaluated: 2024-12-03. Review status: criteria provided, single submitter. Criteria: GeneDx Variant Classification Process June 2021. Collection method: clinical testing. Allele origin: germline. Affected: yes.
Comment: Not observed at significant frequency in large population cohorts (gnomAD); In silico analysis supports that this missense variant has a deleterious effect on protein structure/function; Has not been previously published as pathogenic or benign to our knowledge

NM_018008.4(FEZF2):c.709C>G (p.Arg237Gly)

Gene: FEZF2 (FEZ family zinc finger 2; minus strand). Cytogenetic location: 3p14.2.
Variant type: single nucleotide variant.
Coding change: c.709C>G on transcript NM_018008.4 (MANE Select); coding-DNA position 709, C replaced by G.
Protein change: p.Arg237Gly; replaces arginine 237 with glycine.
Molecular consequence: missense variant.
Genome position (GRCh38, 1-based): chr3:62,372,160, G>C on the plus strand (C>G on the coding strand, the complement: FEZF2 is on the minus strand). VCF-style: chr3-62372160-G-C. GRCh37 (hg19) VCF-style: chr3-62357835-G-C.
Other names: short protein forms R237G.
Identifiers: ClinVar variation 3901818 (VCV003901818.1).